The following is an entry in ClinVar:

ClinVar aggregate classification (germline): Uncertain significance. Review status: criteria provided, multiple submitters, no conflicts (2 of 4 stars). 3 submissions from 3 submitters: Uncertain significance (3). Last evaluated 2024-10-24.

Conditions:
Donnai-Barrow syndrome. Also called: DBS/FOAR SYNDROME; FACIOOCULOACOUSTICORENAL SYNDROME. Identifiers: Orphanet 2143, MedGen C1857277, MONDO:0009104, OMIM 222448.

Allele frequency attached by ClinVar (database versions not stated): TOPMed 0.00003; gnomAD 0.00004; gnomAD exomes 0.00004 and 0.00009; ExAC 0.00007.
gnomAD v4.1: 72 of 1,614,084 alleles (0.0045%); highest among the groups gnomAD compares: Non-Finnish European, 0.0057%; no homozygotes.

Submissions (3):

Labcorp Genetics (formerly Invitae), Labcorp
Classification: Uncertain significance. Last evaluated: 2024-10-24. Review status: criteria provided, single submitter. Criteria: Invitae Variant Classification Sherloc (09022015). Collection method: clinical testing. Allele origin: germline.
Comment: This sequence change replaces tyrosine, which is neutral and polar, with histidine, which is basic and polar, at codon 2601 of the LRP2 protein (p.Tyr2601His). This variant is present in population databases (rs554748412, gnomAD 0.02%). This variant has not been reported in the literature in individuals affected with LRP2-related conditions. ClinVar contains an entry for this variant (Variation ID: 332131). Invitae Evidence Modeling of protein sequence and biophysical properties (such as structural, functional, and spatial information, amino acid conservation, physicochemical variation, residue mobility, and thermodynamic stability) indicates that this missense variant is not expected to disrupt LRP2 protein function with a negative predictive value of 80%. In summary, the available evidence is currently insufficient to determine the role of this variant in disease. Therefore, it has been classified as a Variant of Uncertain Significance.

Fulgent Genetics
Classification: Uncertain significance for Donnai-Barrow syndrome. Last evaluated: 2021-10-26. Review status: criteria provided, single submitter. Criteria: ACMG Guidelines, 2015. Collection method: clinical testing. Allele origin: unknown.

Illumina Laboratory Services, Illumina
Classification: Uncertain significance for Donnai-Barrow syndrome. Last evaluated: 2018-01-13. Review status: criteria provided, single submitter. Criteria: ICSL Variant Classification Criteria 13 December 2019. Collection method: clinical testing. Allele origin: germline.

NM_004525.3(LRP2):c.7801T>C (p.Tyr2601His)

Gene: LRP2 (LDL receptor related protein 2; minus strand). Cytogenetic location: 2q31.1.
Variant type: single nucleotide variant.
Coding change: c.7801T>C on transcript NM_004525.3 (MANE Select); coding-DNA position 7801, T replaced by C.
Protein change: p.Tyr2601His; replaces tyrosine 2601 with histidine.
Molecular consequence: missense variant.
Genome position (GRCh38, 1-based): chr2:169,204,186, A>G on the plus strand (T>C on the coding strand, the complement: LRP2 is on the minus strand). VCF-style: chr2-169204186-A-G. GRCh37 (hg19) VCF-style: chr2-170060696-A-G.
Other names: short protein forms Y2601H.
Identifiers: ClinVar variation 332131 (VCV000332131.8), dbSNP rs554748412, ClinGen allele CA1954000.